The following is an entry in ClinVar:

NM_001388492.1(HTT):c.433A>G (p.Met145Val)

Gene: HTT (huntingtin; plus strand). Cytogenetic location: 4p16.3.
Variant type: single nucleotide variant.
Coding change: c.433A>G on transcript NM_001388492.1 (MANE Select); coding-DNA position 433, A replaced by G.
Protein change: p.Met145Val; replaces methionine 145 with valine.
Molecular consequence: missense variant.
Genome position (GRCh38, 1-based): chr4:3,099,359, A>G. VCF-style: chr4-3099359-A-G. GRCh37 (hg19) VCF-style: chr4-3101086-A-G.
Other names: c.439A>G, p.Met147Val (NM_002111.8); short protein forms M145V, M147V.
Identifiers: ClinVar variation 1358645 (VCV001358645.6), dbSNP rs953390305, ClinGen allele CA356088622.
Genomic context (GRCh38, chr4:3,099,359, plus strand): 5'-CTGGGCATCGCTATGGAACTTTTTCTGCTGTGCAGTGATGACGCAGAGTCAGATGTCAGG[A>G]TGGTGGCTGACGAATGCCTCAACAAAGTTATCAAAGTAAGAACCGTGTGGATGATGTTCT-3'
Protein context (NP_001375421.1, residues 135-155): CSDDAESDVR[Met145Val]VADECLNKVI

ClinVar aggregate classification (germline): Uncertain significance (1 of 4 stars; one submission).

Submission:

Labcorp Genetics (formerly Invitae), Labcorp
Classification: Uncertain significance. Last evaluated: 2020-12-22. Review status: criteria provided, single submitter. Criteria: Invitae Variant Classification Sherloc (09022015). Collection method: clinical testing. Allele origin: germline.
Comment: This sequence change replaces methionine with valine at codon 147 of the HTT protein (p.Met147Val). The methionine residue is highly conserved and there is a small physicochemical difference between methionine and valine. In summary, the available evidence is currently insufficient to determine the role of this variant in disease. Therefore, it has been classified as a Variant of Uncertain Significance. Experimental studies and prediction algorithms are not available or were not evaluated, and the functional significance of this variant is currently unknown. This variant has not been reported in the literature in individuals with HTT-related conditions. This variant is not present in population databases (ExAC no frequency).